The following is an entry in ClinVar:

ClinVar aggregate classification (germline): Conflicting classifications of pathogenicity. Review status: criteria provided, conflicting classifications (1 of 4 stars). 6 submissions from 6 submitters: Likely pathogenic (2); Uncertain significance (4). Last evaluated 2025-09-10.

Conditions:
Hereditary cancer-predisposing syndrome. Also called: Neoplastic Syndromes, Hereditary; Hereditary Cancer Syndrome; Tumor predisposition; Hereditary neoplastic syndrome. Identifiers: Orphanet 140162, MedGen C0027672, MeSH D009386, MONDO:0015356.
RET-related disorder. Also called: RET-related disorders; RET-related condition; RET-related disease.
Pheochromocytoma. Also called: MAX-Related Hereditary Paraganglioma-Pheochromocytoma Syndrome. Identifiers: Orphanet 29072, MedGen C0031511, MONDO:0008233, OMIM 171300, HP:0002666.
Familial medullary thyroid carcinoma (MTC). Also called: Thyroid cancer, familial medullary; MTC, familial; Familial Medullary Thyroid Carcinoma (FMTC). Identifiers: Orphanet 653, Orphanet 99361, MedGen C1833921, MONDO:0007958, OMIM 155240.
Congenital central hypoventilation. Also called: Congenital Central Hypoventilation Syndrome. Identifiers: Orphanet 661, Orphanet 99803, MedGen C1275808, MONDO:0800031. Disease mechanism: gain of function.
Multiple endocrine neoplasia type 2B. Also called: Multiple endocrine neoplasia, type 3; MULTIPLE ENDOCRINE NEOPLASIA, TYPE IIB; MUCOSAL NEUROMA SYNDROME; MEN 2B; Multiple Endocrine Neoplasia Type 2B (MEN2B); MEN IIB. Identifiers: Orphanet 247709, Orphanet 653, MedGen C0025269, MeSH D018814, MONDO:0008082, OMIM 162300.
Multiple endocrine neoplasia type 2A. Also called: MULTIPLE ENDOCRINE NEOPLASIA, TYPE IIA; PTC SYNDROME; SIPPLE SYNDROME; MEN 2A; MEN-2A syndrome; Pheochromocytoma and amyloid producing medullary thyroid carcinoma. Identifiers: Orphanet 247698, Orphanet 653, MedGen C0025268, MeSH D018813, MONDO:0008234, OMIM 171400.
Hirschsprung disease, susceptibility to, 1 (HSCR1). Also called: RET-Related Hirschsprung Disease. Identifiers: Orphanet 388, MedGen C3888239, MONDO:0007723, OMIM 142623.
Multiple endocrine neoplasia, type 2 (MEN2). Identifiers: Orphanet 653, MedGen C4048306, MONDO:0019003. Disease mechanism: gain of function.

Allele frequency attached by ClinVar (database versions not stated): gnomAD exomes below 0.00001; gnomAD 0.00001; TOPMed 0.00002.
gnomAD v4.1: 5 of 1,614,116 alleles (0.00031%); highest among the groups gnomAD compares: South Asian, 0.0011%; no homozygotes.

Submissions (6):

Color Diagnostics, LLC DBA Color Health
Classification: Uncertain significance for Multiple endocrine neoplasia, type 2. Last evaluated: 2025-09-10. Review status: criteria provided, single submitter. Criteria: ACMG Guidelines, 2015. Collection method: clinical testing. Allele origin: germline.
Comment: This missense variant replaces valine with isoleucine at codon 145 of the RET protein. Computational prediction suggests that this variant may not impact protein structure and function. To our knowledge, functional studies have not been reported for this variant. This variant has not been reported in individuals affected with RET-related disorders in the literature. This variant has not been identified in the general population by the Genome Aggregation Database (gnomAD). The available evidence is insufficient to determine the role of this variant in disease conclusively. Therefore, this variant is classified as a Variant of Uncertain Significance.

Labcorp Genetics (formerly Invitae), Labcorp
Classification: Uncertain significance for Multiple endocrine neoplasia, type 2. Last evaluated: 2025-07-31. Review status: criteria provided, single submitter. Criteria: Invitae Variant Classification Sherloc (09022015). Collection method: clinical testing. Allele origin: germline.
Comment: This sequence change replaces valine, which is neutral and non-polar, with isoleucine, which is neutral and non-polar, at codon 145 of the RET protein (p.Val145Ile). This variant is not present in population databases (gnomAD no frequency). This variant has not been reported in the literature in individuals affected with RET-related conditions. ClinVar contains an entry for this variant (Variation ID: 573409). An algorithm developed to predict the effect of missense changes on protein structure and function outputs the following: PolyPhen-2: "Probably Damaging". The isoleucine amino acid residue is found in multiple mammalian species, which suggests that this missense change does not adversely affect protein function. In summary, the available evidence is currently insufficient to determine the role of this variant in disease. Therefore, it has been classified as a Variant of Uncertain Significance.

Ambry Genetics
Classification: Uncertain significance for Hereditary cancer-predisposing syndrome. Last evaluated: 2023-10-27. Review status: criteria provided, single submitter. Criteria: Ambry Variant Classification Scheme 2023. Collection method: clinical testing. Allele origin: germline.
Comment: The p.V145I variant (also known as c.433G>A), located in coding exon 3 of the RET gene, results from a G to A substitution at nucleotide position 433. The valine at codon 145 is replaced by isoleucine, an amino acid with highly similar properties. This alteration has been reported in a patient with Hirschsprung disease and intestinal neuronal dysplasia type B (Fern&aacute;ndez RM et al. Mol Med Rep;2:265-70). This amino acid position is highly conserved in available vertebrate species. In addition, this alteration is predicted to be tolerated by in silico analysis. Since supporting evidence is limited at this time, the clinical significance of this alteration remains unclear.

Blueprint Genetics
Classification: Likely pathogenic for RET-related disorders. Last evaluated: 2022-09-23. Review status: criteria provided, single submitter. Criteria: ACMG Guidelines, 2015. Collection method: clinical testing. Allele origin: germline. Affected: yes. Observed: 2 variant alleles.

Fulgent Genetics
Classification: Uncertain significance for Hirschsprung disease, susceptibility to, 1; Familial medullary thyroid carcinoma; Multiple endocrine neoplasia type 2B; Pheochromocytoma; Multiple endocrine neoplasia type 2A; Central hypoventilation syndrome, congenital, 1, with or without Hirschsprung disease. Last evaluated: 2018-10-31. Review status: criteria provided, single submitter. Criteria: ACMG Guidelines, 2015. Collection method: clinical testing. Allele origin: unknown.

Clinical Genetics and Genomics, Karolinska University Hospital
Classification: Likely pathogenic. Last evaluated: 2018-08-15. Review status: criteria provided, single submitter. Criteria: ACMG Guidelines, 2015. Collection method: clinical testing. Allele origin: unknown. Affected: yes. Observed: 1 variant allele.

Literature cited by the submitters: PubMed 21475823 (cited by Ambry Genetics).

NM_020975.6(RET):c.433G>A (p.Val145Ile)

Gene: RET (ret proto-oncogene; plus strand). Cytogenetic location: 10q11.21.
Variant type: single nucleotide variant.
Coding change: c.433G>A on transcript NM_020975.6 (MANE Select); coding-DNA position 433, G replaced by A.
Protein change: p.Val145Ile; replaces valine 145 with isoleucine.
Molecular consequence: missense variant.
Genome position (GRCh38, 1-based): chr10:43,102,437, G>A. VCF-style: chr10-43102437-G-A. GRCh37 (hg19) VCF-style: chr10-43597885-G-A.
Other names: c.433G>A, p.Val145Ile (NM_000323.2, NM_001406743.1, NM_001406744.1 and 16 more transcripts); short protein forms V145I.
Identifiers: ClinVar variation 573409 (VCV000573409.14), dbSNP rs1311922451, ClinGen allele CA376770813.